The following is an entry in ClinVar:

ClinVar aggregate classification (somatic clinical impact): Tier I - Strong (1 of 4 stars; one submission).

Conditions:
Adrenal cortex carcinoma. Also called: Adrenocortical carcinoma. Identifiers: Orphanet 1501, MedGen C0206686, MeSH D018268, MONDO:0006639, HP:0006744.

Submission:

Institute for Genomic Medicine (IGM) Clinical Laboratory, Nationwide Children's Hospital
Classification: Tier I - Strong for Adrenal cortex carcinoma. Assertion type: diagnostic. Clinical significance: supports diagnosis. Last evaluated: 2023-12-06. Review status: criteria provided, single submitter. Criteria: AMP/ASCO/CAP Guidelines, 2017. Collection method: clinical testing. Allele origin: somatic. Affected: yes.
Comment: Variant has Tier I (strong) clinical significance as a diagnostic inclusion criterion in adrenal cortex carcinoma, based on the following evidence: 1) Appears in one or more well-established professional guidelines (e.g., World Health Organization [WHO]; National Comprehensive Cancer Network [NCCN]) as providing diagnostic, prognostic, or therapeutic information (PMIDs: 16140927, 2574372, 27165744, 25490274, 24747642). 2) Diagnostic for a specific tumor type/classification based on well-powered studies with expert-level consensus (Evidence Level B; PMIDs: 16140927, 2574372, 27165744, 25490274, 24747642).

Literature cited by the submitters: PubMed 16140927; PubMed 2574372; PubMed 27165744; PubMed 25490274; PubMed 24747642.

NM_001904.4(CTNNB1):c.274C>G (p.Gln92Glu)

Genes: CTNNB1 (catenin beta 1; plus strand), LOC126806658 (BRD4-independent group 4 enhancer GRCh37_chr3:41265899-41267098; plus strand). Cytogenetic location: 3p22.1.
Variant type: single nucleotide variant.
Coding change: c.274C>G on transcript NM_001904.4 (MANE Select); coding-DNA position 274, C replaced by G.
Protein change: p.Gln92Glu; replaces glutamine 92 with glutamic acid.
Molecular consequence: missense variant.
Genome position (GRCh38, 1-based): chr3:41,224,986, C>G. VCF-style: chr3-41224986-C-G. GRCh37 (hg19) VCF-style: chr3-41266477-C-G.
Other names: c.274C>G, p.Gln92Glu (NM_001098209.2, NM_001098210.2, NM_001438871.1 and 4 more transcripts); c.253C>G, p.Gln85Glu (NM_001330729.2); short protein forms Q85E, Q92E.
Identifiers: ClinVar variation 4530129 (VCV004530129.1).